The following is an entry in ClinVar:

ClinVar aggregate classification (germline): Likely benign (1 of 4 stars; one submission).

Allele frequency attached by ClinVar (database versions not stated): ESP Exome Variant Server 0.00015; gnomAD 0.00025; TOPMed 0.00025; gnomAD exomes 0.00029; ExAC 0.00044.
gnomAD v4.1: 475 of 1,612,848 alleles (0.029%); highest among the groups gnomAD compares: Middle Eastern, 0.099%; 1 homozygote.

Submission:

CeGaT Center for Human Genetics Tuebingen
Classification: Likely benign. Last evaluated: 2023-06-01. Review status: criteria provided, single submitter. Criteria: CeGaT Center For Human Genetics Tuebingen Variant Classification Criteria Version 2. Collection method: clinical testing. Allele origin: germline. Affected: yes. Observed: 2 variant alleles.
Comment: ZNF215: BP4, BP7

NM_013250.4(ZNF215):c.366C>T (p.Leu122=)

Gene: ZNF215 (zinc finger protein 215; plus strand). Cytogenetic location: 11p15.4.
Variant type: single nucleotide variant.
Coding change: c.366C>T on transcript NM_013250.4 (MANE Select); coding-DNA position 366, C replaced by T.
Protein change: p.Leu122=; no amino-acid change (leucine 122 retained).
Molecular consequence: synonymous variant. On other transcripts: 5 prime UTR variant (6), non-coding transcript variant (1).
Genome position (GRCh38, 1-based): chr11:6,932,638, C>T. VCF-style: chr11-6932638-C-T. GRCh37 (hg19) VCF-style: chr11-6953869-C-T.
Other names: c.366C>T, p.Leu122= (NM_001354853.2, NM_001354854.1); c.-180C>T (NM_001354855.2, NM_001354856.2, NM_001354857.2); c.-120C>T (NM_001354858.2, NM_001354859.2, NM_001354860.2).
Identifiers: ClinVar variation 2641571 (VCV002641571.24), dbSNP rs141947188, ClinGen allele CA5863702.